The following is an entry in ClinVar:

ClinVar aggregate classification (germline): Likely benign (0 of 4 stars; one submission).

Conditions:
SH2D1A-related disorder. Also called: SH2D1A-related condition.

Submission:

PreventionGenetics, part of Exact Sciences
Classification: Likely benign for SH2D1A-related condition. Last evaluated: 2020-03-30. Review status: no assertion criteria provided. Collection method: clinical testing. Allele origin: germline.
Comment: This variant is classified as likely benign based on ACMG/AMP sequence variant interpretation guidelines (Richards et al. 2015 PMID: 25741868, with internal and published modifications).

NM_002351.5(SH2D1A):c.138-12A>G

Gene: SH2D1A (SH2 domain containing 1A; plus strand). Cytogenetic location: Xq25.
Variant type: single nucleotide variant.
Coding change: c.138-12A>G on transcript NM_002351.5 (MANE Select); 12 bases into the intron before coding-DNA position 138, A replaced by G.
Molecular consequence: intron variant.
Genome position (GRCh38, 1-based): chrX:124,365,749, A>G. VCF-style: chrX-124365749-A-G. GRCh37 (hg19) VCF-style: chrX-123499599-A-G.
Other names: c.138-12A>G (NM_001114937.3).
Identifiers: ClinVar variation 3054478 (VCV003054478.2), dbSNP rs2522814846, ClinGen allele CA2694636167.